The following is an entry in ClinVar:

ClinVar aggregate classification (germline): Pathogenic/Likely pathogenic. Review status: criteria provided, multiple submitters, no conflicts (2 of 4 stars). 3 submissions from 3 submitters: Pathogenic (1); Likely pathogenic (2). Last evaluated 2024-04-19.

Conditions:
Brittle cornea syndrome 1 (BCS1). Also called: DYSGENESIS MESODERMALIS CORNEAE ET SCLERAE; CORNEAL FRAGILITY, KERATOGLOBUS, BLUE SCLERAE, JOINT HYPEREXTENSIBILITY; Corneal fragility keratoglobus, blue sclerae AND joint hypermobility; EDS6B; FRAGILITAS OCULI WITH JOINT HYPEREXTENSIBILITY. Identifiers: Orphanet 90354, MedGen C0268344, MONDO:0024543, OMIM 229200.

Submissions (3):

Clinical Genomics Laboratory, Washington University in St. Louis
Classification: Likely pathogenic for Brittle cornea syndrome 1. Last evaluated: 2024-04-19. Review status: criteria provided, single submitter. Criteria: ACMG Guidelines, 2015. Collection method: clinical testing. Allele origin: germline. Affected: yes.
Comment: The ZNF469 c.3034del (p.Val1012Serfs*41) variant, to our knowledge, has not been reported in the medical literature and is absent from the general population (gnomAD v.2.1.1), indicating it is not a common variant. This variant causes a frameshift by deleting a single nucleotide, leading to a premature termination codon; however, because this occurs in the last exon, this is not predicted to lead to nonsense mediated decay. Truncating variants downstream of this variant have been observed in affected individuals (Dhooge T et al., PMID: 33739556). This variant has been reported in the ClinVar database as a germline pathogenic and likely pathogenic variant by two submitters. Based on available information and the ACMG/AMP guidelines for variant interpretation (Richards S et al., PMID: 25741868), this variant is classified as likely pathogenic.

Labcorp Genetics (formerly Invitae), Labcorp
Classification: Pathogenic. Last evaluated: 2023-10-13. Review status: criteria provided, single submitter. Criteria: Invitae Variant Classification Sherloc (09022015). Collection method: clinical testing. Allele origin: germline.
Comment: This sequence change creates a premature translational stop signal (p.Val1012Serfs*41) in the ZNF469 gene. While this is not anticipated to result in nonsense mediated decay, it is expected to disrupt the last 2914 amino acid(s) of the ZNF469 protein. This variant is not present in population databases (gnomAD no frequency). This variant has not been reported in the literature in individuals affected with ZNF469-related conditions. ClinVar contains an entry for this variant (Variation ID: 453086). This variant disrupts a region of the ZNF469 protein in which other variant(s) (p.Pro3556Glnfs*136) have been determined to be pathogenic (PMID: 32671420). This suggests that this is a clinically significant region of the protein, and that variants that disrupt it are likely to be disease-causing. For these reasons, this variant has been classified as Pathogenic.

GeneDx
Classification: Likely pathogenic. Last evaluated: 2017-10-31. Review status: criteria provided, single submitter. Criteria: GeneDx Variant Classification (06012015). Collection method: clinical testing. Allele origin: germline. Affected: yes.
Comment: Although the c.3034delG likely pathogenic variant in the ZNF469 gene has not been reported to our knowledge, this variant causes a shift in reading frame starting at codon valine 1012, changing it to a serine, and creating a premature stop codon at position 41 of the new reading frame, denoted p.Val1012SerfsX41. This likely pathogenic variant is expected to result in an abnormal, truncated protein product with the last 2914 amino acids replaced with 40 incorrect amino acids. Other frameshift variants in the ZNF469 gene have been reported in Human Gene Mutation Database in association with BCS (Stenson et al., 2014), indicating that loss of function is a mechanism of disease for this gene. Furthermore, the c.3034delG variant has not been observed in large population cohorts (Lek et al., 2016).

Literature cited by the submitters: PubMed 32671420 (cited by Labcorp Genetics (formerly Invitae), Labcorp).

NM_001127464.2(ZNF469):c.3034delG (p.Val1012Serfs)

Gene: ZNF469 (zinc finger protein 469; plus strand). Cytogenetic location: 16q24.2.
Variant type: Deletion.
Coding change: c.3034delG on transcript NM_001127464.2; coding-DNA position 3034, one base deleted (G).
Protein change: p.Val1012Serfs; shifts the reading frame from valine 1012.
Molecular consequence: frameshift variant (on NM_001367624.2).
Genome position (GRCh38, 1-based): chr16:88,430,504, G deleted; the last of 3 consecutive G bases (chr16:88,430,502-88,430,504); deleting any one gives the same sequence. VCF-style (leftmost placement, unchanged base first): chr16-88430501-CG-C. GRCh37 (hg19) VCF-style: chr16-88496909-CG-C.
Other names: c.3034del, p.Val1012fs (NM_001367624.2); short protein forms V1012fs.
Identifiers: ClinVar variation 453086 (VCV000453086.5), dbSNP rs1555519050, ClinGen allele CA658658510.